The following is an entry in ClinVar:

NM_000256.3(MYBPC3):c.994G>T (p.Glu332Ter)

Gene: MYBPC3 (myosin binding protein C3; minus strand). Cytogenetic location: 11p11.2.
Variant type: single nucleotide variant.
Coding change: c.994G>T on transcript NM_000256.3 (MANE Select); coding-DNA position 994, G replaced by T.
Protein change: p.Glu332Ter; replaces glutamic acid 332 with a stop codon.
Molecular consequence: nonsense.
Genome position (GRCh38, 1-based): chr11:47,346,303, C>A on the plus strand (G>T on the coding strand, the complement: MYBPC3 is on the minus strand). VCF-style: chr11-47346303-C-A. GRCh37 (hg19) VCF-style: chr11-47367854-C-A.
Other names: short protein forms E332*.
Identifiers: ClinVar variation 4845294 (VCV004845294.1).

ClinVar aggregate classification (germline): Likely pathogenic (1 of 4 stars; one submission).

Conditions:
Left ventricular noncompaction 10 (LVNC10). Identifiers: Orphanet 154, Orphanet 54260, MedGen C3715165, MONDO:0014163, OMIM 615396.

Submission:

Genomics, Clalit Research Institute, Clalit Health Care
Classification: Likely pathogenic for Left ventricular noncompaction 10. Last evaluated: 2025-06-05. Review status: criteria provided, single submitter. Criteria: ACMG Guidelines, 2015. Collection method: clinical testing. Allele origin: germline. Affected: yes.
Comment: Frequency: The variant is absent from the gnomAD reference population dataset. Variant type: Null variant in a gene where LOF is a known mechanism of disease. Predicted to undergo NMD.